The following is an entry in ClinVar:

NM_025179.4(PLXNA2):c.4501A>G (p.Ile1501Val)

Gene: PLXNA2 (plexin A2; minus strand). Cytogenetic location: 1q32.2.
Variant type: single nucleotide variant.
Coding change: c.4501A>G on transcript NM_025179.4 (MANE Select); coding-DNA position 4501, A replaced by G.
Protein change: p.Ile1501Val; replaces isoleucine 1501 with valine.
Molecular consequence: missense variant.
Genome position (GRCh38, 1-based): chr1:208,038,984, T>C on the plus strand (A>G on the coding strand, the complement: PLXNA2 is on the minus strand). VCF-style: chr1-208038984-T-C. GRCh37 (hg19) VCF-style: chr1-208212329-T-C.
Other names: short protein forms I1501V.
Identifiers: ClinVar variation 3346388 (VCV003346388.1).

ClinVar aggregate classification (germline): Uncertain significance (0 of 4 stars; one submission).

Conditions:
PLXNA2-related disorder. Also called: PLXNA2-related condition.

gnomAD v4.1: 4 of 1,613,708 alleles (0.00025%); highest among the groups gnomAD compares: Non-Finnish European, 0.00034%; no homozygotes.

Submission:

PreventionGenetics, part of Exact Sciences
Classification: Uncertain significance for PLXNA2-related condition. Last evaluated: 2024-07-21. Review status: no assertion criteria provided. Collection method: clinical testing. Allele origin: germline.
Comment: The PLXNA2 c.4501A>G variant is predicted to result in the amino acid substitution p.Ile1501Val. To our knowledge, this variant has not been reported in the literature or in a large population database, indicating this variant is rare. At this time, the clinical significance of this variant is uncertain due to the absence of conclusive functional and genetic evidence.